The following is an entry in ClinVar:

NC_000017.10:g.(?_2573437)_(2573645_?)del

Gene: PAFAH1B1 (platelet activating factor acetylhydrolase 1b regulatory subunit 1; plus strand). Cytogenetic location: 17p13.3.
Variant type: Deletion.
Identifiers: ClinVar variation 1435082 (VCV001435082.4).

ClinVar aggregate classification (germline): Pathogenic (1 of 4 stars; one submission).

Submission:

Labcorp Genetics (formerly Invitae), Labcorp
Classification: Pathogenic. Last evaluated: 2021-10-15. Review status: criteria provided, single submitter. Criteria: Invitae Variant Classification Sherloc (09022015). Collection method: clinical testing. Allele origin: germline.
Comment: For these reasons, this variant has been classified as Pathogenic. A similar copy number variant has been observed in individual(s) with lissencephaly (PMID: 19667223). This variant is a gross deletion of the genomic region encompassing exon(s) 6 of the PAFAH1B1 gene. This deletion is out-of-frame, and is expected to create a premature termination codon and result in an absent or disrupted protein product. Loss-of-function variants in PAFAH1B1 are known to be pathogenic (PMID: 1671808, 11115846, 14581661).

Literature cited by the submitters: PubMed 19667223; PubMed 1671808; PubMed 11115846; PubMed 14581661.